The following is an entry in ClinVar:

NM_006269.2(RP1):c.4131C>T (p.Asp1377=)

Gene: RP1 (RP1 axonemal microtubule associated; plus strand). Cytogenetic location: 8q12.1.
Variant type: single nucleotide variant.
Coding change: c.4131C>T on transcript NM_006269.2 (MANE Select); coding-DNA position 4131, C replaced by T.
Protein change: p.Asp1377=; no amino-acid change (aspartic acid 1377 retained).
Molecular consequence: synonymous variant.
Genome position (GRCh38, 1-based): chr8:54,628,013, C>T. VCF-style: chr8-54628013-C-T. GRCh37 (hg19) VCF-style: chr8-55540573-C-T.
Identifiers: ClinVar variation 363297 (VCV000363297.13), dbSNP rs538825686, ClinGen allele CA4751803.

ClinVar aggregate classification (germline): Benign. Review status: criteria provided, multiple submitters, no conflicts (2 of 4 stars). 2 submissions from 2 submitters: Benign (2). Last evaluated 2025-11-11.

Conditions:
Retinitis pigmentosa (RP). Identifiers: Orphanet 791, MedGen C0035334, MeSH D012174, MONDO:0019200, OMIM 268000. Inheritance: Autosomal dominant, autosomal recessive and X linked inheritance.

Allele frequency attached by ClinVar (database versions not stated): gnomAD 0.00007 and 0.00040; TOPMed 0.00014; 1000 Genomes Project 30x 0.00250; 1000 Genomes Project 0.00319.
gnomAD v4.1: 697 of 1,613,930 alleles (0.043%); highest among the groups gnomAD compares: South Asian, 0.69%; 7 homozygotes.

Submissions (2):

Labcorp Genetics (formerly Invitae), Labcorp
Classification: Benign. Last evaluated: 2025-11-11. Review status: criteria provided, single submitter. Criteria: Invitae Variant Classification Sherloc (09022015). Collection method: clinical testing. Allele origin: germline.

Illumina Laboratory Services, Illumina
Classification: Benign for Retinitis pigmentosa. Last evaluated: 2018-01-13. Review status: criteria provided, single submitter. Criteria: ICSL Variant Classification Criteria 13 December 2019. Collection method: clinical testing. Allele origin: germline.
Comment: This variant was observed in the ICSL laboratory as part of a predisposition screen in an ostensibly healthy population. It had not been previously curated by ICSL or reported in the Human Gene Mutation Database (HGMD: prior to June 1st, 2018), and was therefore a candidate for classification through an automated scoring system. Utilizing variant allele frequency, disease prevalence and penetrance estimates, and inheritance mode, an automated score was calculated to assess if this variant is too frequent to cause the disease. Based on the score and internal cut-off values, a variant classified as benign is not then subjected to further curation. The score for this variant resulted in a classification of benign for this disease.